The following is an entry in ClinVar:

NM_000236.3(LIPC):c.1330C>T (p.Arg444Cys)

Gene: LIPC (lipase C, hepatic type; plus strand). Cytogenetic location: 15q21.3.
Variant type: single nucleotide variant.
Coding change: c.1330C>T on transcript NM_000236.3 (MANE Select); coding-DNA position 1330, C replaced by T.
Protein change: p.Arg444Cys; replaces arginine 444 with cysteine.
Molecular consequence: missense variant.
Genome position (GRCh38, 1-based): chr15:58,563,665, C>T. VCF-style: chr15-58563665-C-T. GRCh37 (hg19) VCF-style: chr15-58855864-C-T.
Other names: short protein forms R444C.
Identifiers: ClinVar variation 1498752 (VCV001498752.7), dbSNP rs573340043, ClinGen allele CA7585199.
Genomic context (GRCh38, chr15:58,563,665, plus strand): 5'-GCAGTGTGGGCCAATGTCTGGGACACGGTCCAGACCATCATCCCATGGAGCACAGGGCCG[C>T]GCCACTCAGGCCTCGTTCTGAAGACGATCAGAGTCAAAGCAGGAGAAACCCAGCAAAGGT-3'
Protein context (NP_000227.2, residues 434-454): QTIIPWSTGP[Arg444Cys]HSGLVLKTIR

ClinVar aggregate classification (germline): Uncertain significance. Review status: criteria provided, multiple submitters, no conflicts (2 of 4 stars). 2 submissions from 2 submitters: Uncertain significance (2). Last evaluated 2024-11-06.

Conditions:
Hyperlipidemia due to hepatic triglyceride lipase deficiency. Also called: LIPC DEFICIENCY. Identifiers: Orphanet 140905, MedGen C3151466, MONDO:0013533, OMIM 614025.

Allele frequency attached by ClinVar (database versions not stated): gnomAD exomes 0.00003 and 0.00009; gnomAD 0.00004; ExAC 0.00007; TOPMed 0.00012.
gnomAD v4.1: 50 of 1,614,048 alleles (0.0031%); highest among the groups gnomAD compares: Middle Eastern, 0.084%; no homozygotes.

Submissions (2):

Labcorp Genetics (formerly Invitae), Labcorp
Classification: Uncertain significance. Last evaluated: 2024-11-06. Review status: criteria provided, single submitter. Criteria: Invitae Variant Classification Sherloc (09022015). Collection method: clinical testing. Allele origin: germline.
Comment: This sequence change replaces arginine, which is basic and polar, with cysteine, which is neutral and slightly polar, at codon 444 of the LIPC protein (p.Arg444Cys). This variant is present in population databases (rs573340043, gnomAD 0.05%). This missense change has been observed in individual(s) with familial hypercholesterolemia-like phenotype and/or suspected genetic dyslipidemia (PMID: 36325899, 37460425). ClinVar contains an entry for this variant (Variation ID: 1498752). Invitae Evidence Modeling of protein sequence and biophysical properties (such as structural, functional, and spatial information, amino acid conservation, physicochemical variation, residue mobility, and thermodynamic stability) indicates that this missense variant is not expected to disrupt LIPC protein function with a negative predictive value of 80%. In summary, the available evidence is currently insufficient to determine the role of this variant in disease. Therefore, it has been classified as a Variant of Uncertain Significance.

Genomic Medicine Center of Excellence, King Faisal Specialist Hospital and Research Centre
Classification: Uncertain significance for Hyperlipidemia due to hepatic triglyceride lipase deficiency. Last evaluated: 2024-09-22. Review status: criteria provided, single submitter. Criteria: ACMG Guidelines, 2015. Collection method: clinical testing. Allele origin: germline.

Literature cited by the submitters: PubMed 36325899 (cited by Labcorp Genetics (formerly Invitae), Labcorp); PubMed 37460425 (cited by Labcorp Genetics (formerly Invitae), Labcorp).